The following is an entry in ClinVar:

ClinVar aggregate classification (germline): Pathogenic (1 of 4 stars; one submission).

Submission:

Labcorp Genetics (formerly Invitae), Labcorp
Classification: Pathogenic. Last evaluated: 2025-11-11. Review status: criteria provided, single submitter. Criteria: Invitae Variant Classification Sherloc (09022015). Collection method: clinical testing. Allele origin: germline.
Comment: This sequence change creates a premature translational stop signal (p.Glu796Argfs*68) in the ALPK3 gene. It is expected to result in an absent or disrupted protein product. Loss-of-function variants in ALPK3 are known to be pathogenic (PMID: 21441111, 26846950, 27106955, 34263907). This variant is not present in population databases (gnomAD no frequency). This variant has not been reported in the literature in individuals affected with ALPK3-related conditions. For these reasons, this variant has been classified as Pathogenic.

Literature cited by the submitters: PubMed 21441111; PubMed 26846950; PubMed 27106955; PubMed 34263907.

NM_020778.5(ALPK3):c.1780del (p.Glu594fs)

Gene: ALPK3 (alpha kinase 3; plus strand). Cytogenetic location: 15q25.3.
Variant type: Deletion.
Coding change: c.1780del on transcript NM_020778.5 (MANE Select); coding-DNA position 1780, one base deleted (G; older notation c.1780delG).
Protein change: p.Glu594fs; shifts the reading frame from glutamic acid 594.
Molecular consequence: frameshift variant.
Genome position (GRCh38, 1-based): chr15:84,856,518, G deleted; the last of 2 consecutive G bases (chr15:84,856,517-84,856,518); deleting either gives the same sequence. VCF-style (leftmost placement, unchanged base first): chr15-84856516-AG-A. GRCh37 (hg19) VCF-style: chr15-85399747-AG-A.
Other names: short protein forms E594fs.
Identifiers: ClinVar variation 4764390 (VCV004764390.1).